The following is an entry in ClinVar:

ClinVar aggregate classification (germline): Uncertain significance (1 of 4 stars; one submission).

gnomAD v4.1: 1 of 1,613,652 alleles (0.000062%); highest among the groups gnomAD compares: Non-Finnish European, 0.000085%; no homozygotes.

Submission:

Labcorp Genetics (formerly Invitae), Labcorp
Classification: Uncertain significance. Last evaluated: 2022-07-05. Review status: criteria provided, single submitter. Criteria: Invitae Variant Classification Sherloc (09022015). Collection method: clinical testing. Allele origin: germline.
Comment: Algorithms developed to predict the effect of missense changes on protein structure and function (SIFT, PolyPhen-2, Align-GVGD) all suggest that this variant is likely to be tolerated. This variant is not present in population databases (gnomAD no frequency). This variant has not been reported in the literature in individuals affected with POLR3A-related conditions. In summary, the available evidence is currently insufficient to determine the role of this variant in disease. Therefore, it has been classified as a Variant of Uncertain Significance. This sequence change replaces methionine, which is neutral and non-polar, with isoleucine, which is neutral and non-polar, at codon 646 of the POLR3A protein (p.Met646Ile).

NM_007055.4(POLR3A):c.1938G>A (p.Met646Ile)

Gene: POLR3A (RNA polymerase III subunit A; minus strand). Cytogenetic location: 10q22.3.
Variant type: single nucleotide variant.
Coding change: c.1938G>A on transcript NM_007055.4 (MANE Select); coding-DNA position 1938, G replaced by A.
Protein change: p.Met646Ile; replaces methionine 646 with isoleucine.
Molecular consequence: missense variant.
Genome position (GRCh38, 1-based): chr10:78,007,838, C>T on the plus strand (G>A on the coding strand, the complement: POLR3A is on the minus strand). VCF-style: chr10-78007838-C-T. GRCh37 (hg19) VCF-style: chr10-79767596-C-T.
Other names: short protein forms M646I.
Identifiers: ClinVar variation 2187403 (VCV002187403.4), dbSNP rs2493217389, ClinGen allele CA377339989.